The following is an entry in ClinVar:

ClinVar aggregate classification (germline): Uncertain significance (1 of 4 stars; one submission).

Allele frequency attached by ClinVar (database versions not stated): gnomAD exomes below 0.00001; ExAC 0.00005.
gnomAD v4.1: 4 of 1,548,138 alleles (0.00026%); highest among the groups gnomAD compares: Middle Eastern, 0.017%; no homozygotes.

Submission:

Labcorp Genetics (formerly Invitae), Labcorp
Classification: Uncertain significance. Last evaluated: 2022-08-16. Review status: criteria provided, single submitter. Criteria: Invitae Variant Classification Sherloc (09022015). Collection method: clinical testing. Allele origin: germline.
Comment: This sequence change falls in intron 35 of the EYS gene. It does not directly change the encoded amino acid sequence of the EYS protein. It affects a nucleotide within the consensus splice site. This variant is present in population databases (rs779592289, gnomAD 0.004%). This variant has not been reported in the literature in individuals affected with EYS-related conditions. Variants that disrupt the consensus splice site are a relatively common cause of aberrant splicing (PMID: 17576681, 9536098). Algorithms developed to predict the effect of sequence changes on RNA splicing suggest that this variant is not likely to affect RNA splicing. In summary, the available evidence is currently insufficient to determine the role of this variant in disease. Therefore, it has been classified as a Variant of Uncertain Significance.

Literature cited by the submitters: PubMed 17576681; PubMed 9536098.

NM_001142800.2(EYS):c.7056-3C>T

Gene: EYS (eyes shut homolog; minus strand). Cytogenetic location: 6q12.
Variant type: single nucleotide variant.
Coding change: c.7056-3C>T on transcript NM_001142800.2 (MANE Select); 3 bases into the intron before coding-DNA position 7056, C replaced by T.
Molecular consequence: intron variant.
Genome position (GRCh38, 1-based): chr6:63,864,361, G>A on the plus strand (C>T on the coding strand, the complement: EYS is on the minus strand). VCF-style: chr6-63864361-G-A. GRCh37 (hg19) VCF-style: chr6-64574254-G-A.
Other names: c.7056-3C>T (NM_001292009.2).
Identifiers: ClinVar variation 2146724 (VCV002146724.1), dbSNP rs779592289, ClinGen allele CA3876843.